The following is an entry in ClinVar:

NM_198578.4(LRRK2):c.2297C>G (p.Ser766Cys)

Gene: LRRK2 (leucine rich repeat kinase 2; plus strand). Cytogenetic location: 12q12.
Variant type: single nucleotide variant.
Coding change: c.2297C>G on transcript NM_198578.4 (MANE Select); coding-DNA position 2297, C replaced by G.
Protein change: p.Ser766Cys; replaces serine 766 with cysteine.
Molecular consequence: missense variant.
Genome position (GRCh38, 1-based): chr12:40,283,930, C>G. VCF-style: chr12-40283930-C-G. GRCh37 (hg19) VCF-style: chr12-40677732-C-G.
Other names: short protein forms S766C.
Identifiers: ClinVar variation 1789185 (VCV001789185.2), dbSNP rs766341710, ClinGen allele CA384406422.

ClinVar aggregate classification (germline): Uncertain significance (1 of 4 stars; one submission).

Conditions:
Inborn genetic diseases. Identifiers: MedGen C0950123, MeSH D030342.

gnomAD v4.1: 1 of 1,613,718 alleles (0.000062%); no homozygotes.

Submission:

Ambry Genetics
Classification: Uncertain significance for Inborn genetic diseases. Last evaluated: 2022-03-23. Review status: criteria provided, single submitter. Criteria: Ambry Variant Classification Scheme 2023. Collection method: clinical testing. Allele origin: germline.
Comment: The p.S766C variant (also known as c.2297C>G), located in coding exon 19 of the LRRK2 gene, results from a C to G substitution at nucleotide position 2297. The serine at codon 766 is replaced by cysteine, an amino acid with dissimilar properties. This amino acid position is conserved. In addition, this alteration is predicted to be tolerated by in silico analysis. Since supporting evidence is limited at this time, the clinical significance of this alteration remains unclear.